The following is an entry in ClinVar:

NM_002292.4(LAMB2):c.2167C>T (p.Arg723Cys)

Gene: LAMB2 (laminin subunit beta 2; minus strand). Cytogenetic location: 3p21.31.
Variant type: single nucleotide variant.
Coding change: c.2167C>T on transcript NM_002292.4 (MANE Select); coding-DNA position 2167, C replaced by T.
Protein change: p.Arg723Cys; replaces arginine 723 with cysteine.
Molecular consequence: missense variant.
Genome position (GRCh38, 1-based): chr3:49,126,144, G>A on the plus strand (C>T on the coding strand, the complement: LAMB2 is on the minus strand). VCF-style: chr3-49126144-G-A. GRCh37 (hg19) VCF-style: chr3-49163577-G-A.
Other names: short protein forms R723C.
Identifiers: ClinVar variation 809486 (VCV000809486.46), dbSNP rs145660751, ClinGen allele CA2394365.

ClinVar aggregate classification (germline): Uncertain significance. Review status: criteria provided, multiple submitters, no conflicts (2 of 4 stars). 4 submissions from 4 submitters: Uncertain significance (4). Last evaluated 2025-01-20.

Conditions:
Congenital myasthenic syndrome (CMS). Also called: Congenital Myasthenic Syndromes. Identifiers: Orphanet 590, MedGen C0751882, MeSH D020294, MONDO:0018940.
LAMB2-related infantile-onset nephrotic syndrome. Also called: NEPHROTIC SYNDROME, TYPE 5, WITHOUT OCULAR ABNORMALITIES; NEPHROTIC SYNDROME, TYPE 5, WITH OCULAR ABNORMALITIES; Nephrotic Syndrome, type 5. Identifiers: Orphanet 306507, MedGen C3280113, MONDO:0013621, OMIM 614199.
Pierson syndrome. Also called: MICROCORIA-CONGENITAL NEPHROTIC SYNDROME. Identifiers: Orphanet 2670, MedGen C1836876, MONDO:0012184, OMIM 609049.
Inborn genetic diseases. Identifiers: MedGen C0950123, MeSH D030342.

Allele frequency attached by ClinVar (database versions not stated): ESP Exome Variant Server 0.00008; gnomAD 0.00010; TOPMed 0.00013.

Submissions (4):

Labcorp Genetics (formerly Invitae), Labcorp
Classification: Uncertain significance for LAMB2-related infantile-onset nephrotic syndrome; Pierson syndrome. Last evaluated: 2025-01-20. Review status: criteria provided, single submitter. Criteria: Invitae Variant Classification Sherloc (09022015). Collection method: clinical testing. Allele origin: germline.
Comment: This sequence change replaces arginine, which is basic and polar, with cysteine, which is neutral and slightly polar, at codon 723 of the LAMB2 protein (p.Arg723Cys). This variant is present in population databases (rs145660751, gnomAD 0.02%). This variant has not been reported in the literature in individuals affected with LAMB2-related conditions. ClinVar contains an entry for this variant (Variation ID: 809486). An algorithm developed to predict the effect of missense changes on protein structure and function (PolyPhen-2) suggests that this variant is likely to be disruptive. In summary, the available evidence is currently insufficient to determine the role of this variant in disease. Therefore, it has been classified as a Variant of Uncertain Significance.

Blueprint Genetics
Classification: Uncertain significance. Last evaluated: 2024-10-22. Review status: criteria provided, single submitter. Criteria: ACMG Guidelines, 2015. Collection method: clinical testing. Allele origin: germline.

Ambry Genetics
Classification: Uncertain significance for Inborn genetic diseases. Last evaluated: 2021-09-15. Review status: criteria provided, single submitter. Criteria: Ambry Variant Classification Scheme 2023. Collection method: clinical testing. Allele origin: germline.

CeGaT Center for Human Genetics Tuebingen
Classification: Uncertain significance. Last evaluated: 2016-05-01. Review status: criteria provided, single submitter. Criteria: CeGaT Center For Human Genetics Tuebingen Variant Classification Criteria Version 2. Collection method: clinical testing. Allele origin: germline. Affected: yes. Observed: 1 variant allele.